The following is an entry in ClinVar:

NM_000179.3(MSH6):c.3208_3209dup (p.Asp1071fs)

Gene: MSH6 (mutS homolog 6; plus strand). Cytogenetic location: 2p16.3.
Variant type: Duplication.
Coding change: c.3208_3209dup on transcript NM_000179.3 (MANE Select); coding-DNA positions 3208 to 3209, 2 bases duplicated (GG; older notation c.3208_3209dupGG).
Protein change: p.Asp1071fs; shifts the reading frame from aspartic acid 1071.
Molecular consequence: frameshift variant.
Genome position (GRCh38, 1-based): chr2:47,803,455-47,803,456, GG duplicated; duplicating any 2 consecutive bases within chr2:47,803,452-47,803,456 gives the same sequence; the c. name uses the placement nearest the transcript's 3' end. VCF-style (leftmost placement, unchanged base first): chr2-47803451-A-AGG. GRCh37 (hg19) VCF-style: chr2-48030590-A-AGG.
Other names: c.2818_2819dup, p.Asp941fs (NM_001281492.2); c.2302_2303dup, p.Asp769fs (NM_001281493.2, NM_001281494.2); short protein forms D1071fs, D941fs, D769fs.
Identifiers: ClinVar variation 823195 (VCV000823195.4), dbSNP rs1315445200, ClinGen allele CA915943946.

ClinVar aggregate classification (germline): Pathogenic (1 of 4 stars; one submission).

Conditions:
Hereditary cancer-predisposing syndrome. Also called: Tumor predisposition; Hereditary Cancer Syndrome; Neoplastic Syndromes, Hereditary; Hereditary neoplastic syndrome. Identifiers: Orphanet 140162, MedGen C0027672, MeSH D009386, MONDO:0015356.

Submission:

Ambry Genetics
Classification: Pathogenic for Hereditary cancer-predisposing syndrome. Last evaluated: 2018-01-31. Review status: criteria provided, single submitter. Criteria: Ambry Variant Classification Scheme 2023. Collection method: clinical testing. Allele origin: germline.
Comment: The c.3208_3209dupGG variant, located in coding exon 5 of the MSH6 gene, results from a duplication of GG at nucleotide position 3208, causing a translational frameshift with a predicted alternate stop codon (p.D1071Vfs*9). In addition to the clinical data presented in the literature, this alteration is expected to result in loss of function by premature protein truncation or nonsense-mediated mRNA decay. As such, this alteration is interpreted as a disease-causing mutation.

Literature cited by the submitters: PubMed 12732731; PubMed 23588873.